The following is an entry in ClinVar:

NC_000020.10:g.(?_62030796)_(62038482_?)del

Gene: KCNQ2 (potassium voltage-gated channel subfamily Q member 2; minus strand). Cytogenetic location: 20q13.33.
Variant type: Deletion.
Identifiers: ClinVar variation 3248254 (VCV003248254.1).

ClinVar aggregate classification (germline): Pathogenic (1 of 4 stars; one submission).

Conditions:
Developmental and epileptic encephalopathy. Identifiers: MedGen C5779964, MONDO:0100620.

Submission:

Labcorp Genetics (formerly Invitae), Labcorp
Classification: Pathogenic for Early-infantile DEE. Last evaluated: 2022-12-26. Review status: criteria provided, single submitter. Criteria: Invitae Variant Classification Sherloc (09022015). Collection method: clinical testing. Allele origin: unknown.
Comment: For these reasons, this variant has been classified as Pathogenic. This variant disrupts a region of the KCNQ2 protein in which other variant(s) (p.Lys829Serfs*35) have been determined to be pathogenic (Invitae). This suggests that this is a clinically significant region of the protein, and that variants that disrupt it are likely to be disease-causing. This variant has not been reported in the literature in individuals affected with KCNQ2-related conditions. This variant results in the deletion of part of exon 17 (c.2134_*7201delinsAGG) of the KCNQ2 gene. While this deletion is not anticipated to lead to nonsense mediated decay, it is expected to alter mRNA translation or result in a truncated protein product.